The following is an entry in ClinVar:

ClinVar aggregate classification (germline): Likely pathogenic. Review status: criteria provided, multiple submitters, no conflicts (2 of 4 stars). 2 submissions from 2 submitters: Likely pathogenic (2). Last evaluated 2022-08-01.

Conditions:
Coffin-Siris syndrome 8. Identifiers: MedGen C5193054, MONDO:0032702, OMIM 618362.

Submissions (2):

CeGaT Center for Human Genetics Tuebingen
Classification: Likely pathogenic. Last evaluated: 2022-08-01. Review status: criteria provided, single submitter. Criteria: CeGaT Center For Human Genetics Tuebingen Variant Classification Criteria Version 2. Collection method: clinical testing. Allele origin: germline. Affected: yes. Observed: 1 variant allele.
Comment: SMARCC2: PM1, PM2, PS2:Moderate, PP2

Institute of Human Genetics, University of Leipzig Medical Center
Classification: Likely pathogenic for Coffin-Siris syndrome 8. Last evaluated: 2021-02-19. Review status: criteria provided, single submitter. Criteria: ACMG Guidelines, 2015. Collection method: clinical testing. Allele origin: de novo. Affected: yes.
Comment: This variant was identified as de novo (maternity and paternity confirmed).

NM_001330288.2(SMARCC2):c.2771A>G (p.Glu924Gly)

Gene: SMARCC2 (SWI/SNF related BAF chromatin remodeling complex subunit C2; minus strand). Cytogenetic location: 12q13.2.
Variant type: single nucleotide variant.
Coding change: c.2771A>G on transcript NM_001330288.2 (MANE Select); coding-DNA position 2771, A replaced by G.
Protein change: p.Glu924Gly; replaces glutamic acid 924 with glycine.
Molecular consequence: missense variant.
Genome position (GRCh38, 1-based): chr12:56,168,139, T>C on the plus strand (A>G on the coding strand, the complement: SMARCC2 is on the minus strand). VCF-style: chr12-56168139-T-C. GRCh37 (hg19) VCF-style: chr12-56561923-T-C.
Other names: c.2771A>G, p.Glu924Gly (NM_001130420.3, NM_139067.4); c.2678A>G, p.Glu893Gly (NM_003075.5); short protein forms E893G, E924G.
Identifiers: ClinVar variation 976148 (VCV000976148.32), dbSNP rs1873193008, ClinGen allele CA385340948.